The following is an entry in ClinVar:

NM_001385026.1(PEAK1):c.4589G>A (p.Gly1530Glu)

Gene: PEAK1 (pseudopodium enriched atypical kinase 1; minus strand). Cytogenetic location: 15q24.3.
Variant type: single nucleotide variant.
Coding change: c.4589G>A on transcript NM_001385026.1 (MANE Select); coding-DNA position 4589, G replaced by A.
Protein change: p.Gly1530Glu; replaces glycine 1530 with glutamic acid.
Molecular consequence: missense variant.
Genome position (GRCh38, 1-based): chr15:77,114,808, C>T on the plus strand (G>A on the coding strand, the complement: PEAK1 is on the minus strand). VCF-style: chr15-77114808-C-T. GRCh37 (hg19) VCF-style: chr15-77407150-C-T.
Other names: c.4589G>A, p.Gly1530Glu (NM_001387085.1, NM_001387086.1, NM_024776.5); short protein forms G1530E.
Identifiers: ClinVar variation 3930674 (VCV003930674.2).

ClinVar aggregate classification (germline): Uncertain significance. Review status: criteria provided, multiple submitters, no conflicts (2 of 4 stars). 2 submissions from 2 submitters: Uncertain significance (2). Last evaluated 2026-04-03.

Conditions:
PEAK1-related disorder. Also called: PEAK1-related condition.

gnomAD v4.1: 10 of 1,613,122 alleles (0.00062%); highest among the groups gnomAD compares: African/African-American, 0.013%; no homozygotes.

Submissions (2):

PreventionGenetics, part of Exact Sciences
Classification: Uncertain significance for PEAK1-related condition. Last evaluated: 2026-04-03. Review status: criteria provided, single submitter. Criteria: ACMG Guidelines, 2015. Collection method: clinical testing. Allele origin: germline.
Comment: The PEAK1 c.4589G>A variant is predicted to result in the amino acid substitution p.Gly1530Glu. To our knowledge, this variant has not been reported in the literature. This variant is reported in 0.012% of alleles in individuals of African descent in gnomAD. At this time, the clinical significance of this variant is uncertain due to the absence of conclusive functional and genetic evidence.

Ambry Genetics
Classification: Uncertain significance. Last evaluated: 2025-04-09. Review status: criteria provided, single submitter. Criteria: Ambry Variant Classification Scheme 2023. Collection method: clinical testing. Allele origin: germline.